The following is an entry in ClinVar:

ClinVar aggregate classification (germline): Benign. Review status: criteria provided, single submitter (1 of 4 stars). 2 submissions from 2 submitters: Benign (1). 1 of the submissions does not count toward it. Last evaluated 2025-12-29.

Conditions:
PYCR1-related disorder. Also called: PYCR1-related condition.

Allele frequency attached by ClinVar (database versions not stated): ESP Exome Variant Server 0.00008; gnomAD 0.00009 and 0.00017; gnomAD exomes 0.00016 and 0.00030; ExAC 0.00033; 1000 Genomes Project 0.00120; 1000 Genomes Project 30x 0.00125; TOPMed 0.00005.

Submissions (2):

Labcorp Genetics (formerly Invitae), Labcorp
Classification: Benign. Last evaluated: 2025-12-29. Review status: criteria provided, single submitter. Criteria: Invitae Variant Classification Sherloc (09022015). Collection method: clinical testing. Allele origin: germline.

PreventionGenetics, part of Exact Sciences
Classification: Likely benign for PYCR1-related condition. Last evaluated: 2022-01-24. Review status: no assertion criteria provided. Collection method: clinical testing. Allele origin: germline. Not counted in ClinVar's aggregate classification.
Comment: This variant is classified as likely benign based on ACMG/AMP sequence variant interpretation guidelines (Richards et al. 2015 PMID: 25741868, with internal and published modifications).

NM_006907.4(PYCR1):c.386G>A (p.Arg129Gln)

Gene: PYCR1 (pyrroline-5-carboxylate reductase 1; minus strand). Cytogenetic location: 17q25.3.
Variant type: single nucleotide variant.
Coding change: c.386G>A on transcript NM_006907.4 (MANE Select); coding-DNA position 386, G replaced by A.
Protein change: p.Arg129Gln; replaces arginine 129 with glutamine.
Molecular consequence: missense variant.
Genome position (GRCh38, 1-based): chr17:81,935,080, C>T on the plus strand (G>A on the coding strand, the complement: PYCR1 is on the minus strand). VCF-style: chr17-81935080-C-T. GRCh37 (hg19) VCF-style: chr17-79892956-C-T.
Other names: c.386G>A (NM_006907.3); c.386G>A, p.Arg129Gln (NM_001282279.2, NM_001282280.2, NM_001330523.2 and 1 more transcripts); c.467G>A, p.Arg156Gln (NM_001282281.2); short protein forms R129Q, R156Q.
Identifiers: ClinVar variation 1530556 (VCV001530556.10), dbSNP rs374650655, ClinGen allele CA8845455.
Genomic context (GRCh38, chr17:81,935,080, plus strand): 5'-ATGAGCCTCCCGTCCTCCACCTGGGCGTGCGTGCCTGTGGCATACACGGTGGCCCCCTCC[C>T]GCACCACGACTGGAGTGTTGGTCATGCAGCGGATGACCCTGGGGGCTGGCCGAAACGCTG-3'
Protein context (NP_008838.2, residues 119-139): RCMTNTPVVV[Arg129Gln]EGATVYATGT